The following is an entry in ClinVar:

NM_152468.5(TMC8):c.1513C>T (p.Leu505Phe)

Genes: TMC8 (transmembrane channel like 8; plus strand), LOC130061795 (ATAC-STARR-seq lymphoblastoid active region 12864; plus strand). Cytogenetic location: 17q25.3.
Variant type: single nucleotide variant.
Coding change: c.1513C>T on transcript NM_152468.5 (MANE Select); coding-DNA position 1513, C replaced by T.
Protein change: p.Leu505Phe; replaces leucine 505 with phenylalanine.
Molecular consequence: missense variant.
Genome position (GRCh38, 1-based): chr17:78,138,168, C>T. VCF-style: chr17-78138168-C-T. GRCh37 (hg19) VCF-style: chr17-76134249-C-T.
Other names: short protein forms L505F.
Identifiers: ClinVar variation 526241 (VCV000526241.10), dbSNP rs147922298, ClinGen allele CA8796886.

ClinVar aggregate classification (germline): Uncertain significance. Review status: criteria provided, multiple submitters, no conflicts (2 of 4 stars). 2 submissions from 2 submitters: Uncertain significance (2). Last evaluated 2024-10-01.

Conditions:
Epidermodysplasia verruciformis. Identifiers: Orphanet 302, MedGen C0014522, MONDO:0009176.
Inborn genetic diseases. Identifiers: MedGen C0950123, MeSH D030342.

Allele frequency attached by ClinVar (database versions not stated): gnomAD exomes 0.00001 and 0.00004; ExAC 0.00003; gnomAD 0.00013 and 0.00016; ESP Exome Variant Server 0.00015; TOPMed 0.00019; 1000 Genomes Project 30x 0.00031; 1000 Genomes Project 0.00040.

Submissions (2):

Ambry Genetics
Classification: Uncertain significance for Inborn genetic diseases. Last evaluated: 2024-10-01. Review status: criteria provided, single submitter. Criteria: Ambry Variant Classification Scheme 2023. Collection method: clinical testing. Allele origin: germline.

Labcorp Genetics (formerly Invitae), Labcorp
Classification: Uncertain significance for Epidermodysplasia verruciformis. Last evaluated: 2022-07-19. Review status: criteria provided, single submitter. Criteria: Invitae Variant Classification Sherloc (09022015). Collection method: clinical testing. Allele origin: germline.
Comment: In summary, the available evidence is currently insufficient to determine the role of this variant in disease. Therefore, it has been classified as a Variant of Uncertain Significance. Algorithms developed to predict the effect of missense changes on protein structure and function output the following: SIFT: "Deleterious"; PolyPhen-2: "Benign"; Align-GVGD: "Class C0". The phenylalanine amino acid residue is found in multiple mammalian species, which suggests that this missense change does not adversely affect protein function. ClinVar contains an entry for this variant (Variation ID: 526241). This variant has not been reported in the literature in individuals affected with TMC8-related conditions. This variant is present in population databases (rs147922298, gnomAD 0.05%). This sequence change replaces leucine, which is neutral and non-polar, with phenylalanine, which is neutral and non-polar, at codon 505 of the TMC8 protein (p.Leu505Phe).